The following is an entry in ClinVar:

NM_000236.3(LIPC):c.1226A>C (p.Asp409Ala)

Gene: LIPC (lipase C, hepatic type; plus strand). Cytogenetic location: 15q21.3.
Variant type: single nucleotide variant.
Coding change: c.1226A>C on transcript NM_000236.3 (MANE Select); coding-DNA position 1226, A replaced by C.
Protein change: p.Asp409Ala; replaces aspartic acid 409 with alanine.
Molecular consequence: missense variant.
Genome position (GRCh38, 1-based): chr15:58,563,561, A>C. VCF-style: chr15-58563561-A-C. GRCh37 (hg19) VCF-style: chr15-58855760-A-C.
Other names: short protein forms D409A.
Identifiers: ClinVar variation 735412 (VCV000735412.18), dbSNP rs142036980, ClinGen allele CA7585171.
Genomic context (GRCh38, chr15:58,563,561, plus strand): 5'-CAAGGGGCAAAGGAATTGCTAGTAATAAAACGTATTCCTTTCTTATCACGCTGGATGTGG[A>C]TATCGGCGAGCTGATCATGATCAAGTTCAAGTGGGAAAACAGTGCAGTGTGGGCCAATGT-3'
Protein context (NP_000227.2, residues 399-419): TYSFLITLDV[Asp409Ala]IGELIMIKFK

ClinVar aggregate classification (germline): Conflicting classifications of pathogenicity. Review status: criteria provided, conflicting classifications (1 of 4 stars). 5 submissions from 5 submitters: Uncertain significance (3); Likely benign (1). 1 of the submissions does not count toward it. Last evaluated 2025-12-03.

Conditions:
LIPC-related disorder. Also called: LIPC-related condition.
Hyperlipidemia due to hepatic triglyceride lipase deficiency. Also called: LIPC DEFICIENCY. Identifiers: Orphanet 140905, MedGen C3151466, MONDO:0013533, OMIM 614025.
Type 2 diabetes mellitus. Also called: Type II diabetes mellitus. Identifiers: MedGen C0011860, MeSH D003924, MONDO:0005148, OMIM 125853, HP:0005978.

Allele frequency attached by ClinVar (database versions not stated): gnomAD exomes 0.00026 and 0.00059; ESP Exome Variant Server 0.00046; ExAC 0.00058; gnomAD 0.00071 and 0.00074; TOPMed 0.00096; 1000 Genomes Project 0.00200; 1000 Genomes Project 30x 0.00219.
gnomAD v4.1: 525 of 1,614,210 alleles (0.033%); highest among the groups gnomAD compares: African/African-American, 0.25%; no homozygotes.

Submissions (5):

Labcorp Genetics (formerly Invitae), Labcorp
Classification: Likely benign. Last evaluated: 2025-12-03. Review status: criteria provided, single submitter. Criteria: Invitae Variant Classification Sherloc (09022015). Collection method: clinical testing. Allele origin: germline.

New York Genome Center
Classification: Uncertain significance for Type 2 diabetes mellitus; Hyperlipidemia due to hepatic triglyceride lipase deficiency. Last evaluated: 2022-04-20. Review status: criteria provided, single submitter. Criteria: NYGC Assertion Criteria 2020. Collection method: clinical testing. Allele origin: germline. Observed: 1 homozygote.
Comment: The c.1226A>C variant has previously been reported in a cohort of patients with hepatic lipase deficiency [PMID:32041611]. However, the number of affected individuals and the zygosity of the c.1226A>C LIPC variant was not specified [PMID:32041611]. The variant has been deposited in ClinVar [ClinVar ID: 735412] as a Variant of Uncertain Significance (2 entries) and Likely benign (1 entry). The c.1226A>C variant is observed in 734 alleles (~0.083% minor allele frequency with 0 homozygotes) in population databases (gnomAD v2.1.1 and v3.1.2, TOPMed Freeze 8, All of US). The c.1226A>C variant is located in exon 8 of this 9-exon gene and is predicted to replace an evolutionarily conserved aspartic acid residue with alanine at position 409 located within the predicted PLAT domain [UniProtKB - P11150] of encoded protein. In silico predictions for p.(Asp409Ala) are inconclusive of the variant's effect [REVEL = 0.432]; however, there are no functional studies to support or refute these predictions. Based on available evidence this c.1226A>C p.(Asp409Ala) variant identified in LIPC is classified as a Variant ofUncertain Significance.

GeneDx
Classification: Uncertain significance. Last evaluated: 2019-10-30. Review status: criteria provided, single submitter. Criteria: GeneDx Variant Classification Process June 2021. Collection method: clinical testing. Allele origin: germline. Affected: yes.
Comment: Has not been previously published as pathogenic or benign to our knowledge; In silico analysis supports that this missense variant has a deleterious effect on protein structure/function; This variant is associated with the following publications: (PMID: 32041611)

Illumina Laboratory Services, Illumina
Classification: Uncertain significance for Hyperlipidemia due to hepatic triglyceride lipase deficiency. Last evaluated: 2018-01-13. Review status: criteria provided, single submitter. Criteria: ICSL Variant Classification Criteria 13 December 2019. Collection method: clinical testing. Allele origin: germline.

PreventionGenetics, part of Exact Sciences
Classification: Likely benign for LIPC-related condition. Last evaluated: 2020-03-06. Review status: no assertion criteria provided. Collection method: clinical testing. Allele origin: germline. Not counted in ClinVar's aggregate classification.
Comment: This variant is classified as likely benign based on ACMG/AMP sequence variant interpretation guidelines (Richards et al. 2015 PMID: 25741868, with internal and published modifications).